The following is an entry in ClinVar:

NM_181486.4(TBX5):c.*812C>T

Gene: TBX5 (T-box transcription factor 5; minus strand). Cytogenetic location: 12q24.21.
Variant type: single nucleotide variant.
Coding change: c.*812C>T on transcript NM_181486.4 (MANE Select); 812 bases downstream of the stop codon, C replaced by T.
Molecular consequence: 3 prime UTR variant.
Genome position (GRCh38, 1-based): chr12:114,354,720, G>A on the plus strand (C>T on the coding strand, the complement: TBX5 is on the minus strand). VCF-style: chr12-114354720-G-A. GRCh37 (hg19) VCF-style: chr12-114792525-G-A.
Other names: c.*812C>T (NM_000192.3, NM_080717.4).
Identifiers: ClinVar variation 307282 (VCV000307282.6), dbSNP rs143511878, ClinGen allele CA10636533.

ClinVar aggregate classification (germline): Benign. Review status: criteria provided, multiple submitters, no conflicts (2 of 4 stars). 2 submissions from 2 submitters: Benign (2). Last evaluated 2018-01-12.

Conditions:
Holt-Oram syndrome (HOS). Also called: Ventriculo-radial syndrome; Cardiac-limb syndrome; Heart-hand syndrome, type 1; TBX5-Related Holt-Oram Syndrome. Identifiers: Orphanet 392, MedGen C0265264, MONDO:0007732, OMIM 142900.

Allele frequency attached by ClinVar (database versions not stated): gnomAD 0.01634 and 0.01571; 1000 Genomes Project 0.01957; TOPMed 0.01693; 1000 Genomes Project 30x 0.01811.

Submissions (2):

Illumina Laboratory Services, Illumina
Classification: Benign for Holt-Oram syndrome. Last evaluated: 2018-01-12. Review status: criteria provided, single submitter. Criteria: ICSL Variant Classification Criteria 13 December 2019. Collection method: clinical testing. Allele origin: germline.
Comment: This variant was observed in the ICSL laboratory as part of a predisposition screen in an ostensibly healthy population. It had not been previously curated by ICSL or reported in the Human Gene Mutation Database (HGMD: prior to June 1st, 2018), and was therefore a candidate for classification through an automated scoring system. Utilizing variant allele frequency, disease prevalence and penetrance estimates, and inheritance mode, an automated score was calculated to assess if this variant is too frequent to cause the disease. Based on the score and internal cut-off values, a variant classified as benign is not then subjected to further curation. The score for this variant resulted in a classification of benign for this disease.

Breakthrough Genomics
Classification: Benign. Review status: criteria provided, single submitter. Criteria: ACMG Guidelines, 2015. Collection method: not provided. Allele origin: germline. Inheritance: Autosomal dominant inheritance. Affected: yes.